The following is an entry in ClinVar:

ClinVar aggregate classification (germline): Uncertain significance. Review status: criteria provided, multiple submitters, no conflicts (2 of 4 stars). 2 submissions from 2 submitters: Uncertain significance (2). Last evaluated 2023-11-17.

Conditions:
Inborn genetic diseases. Identifiers: MedGen C0950123, MeSH D030342.
Carnitine palmitoyl transferase 1A deficiency. Also called: CPT deficiency, hepatic, type IA; Carnitine palmitoyltransferase 1A deficiency; CPT I DEFICIENCY; CPT DEFICIENCY, HEPATIC, TYPE I; Carnitine palmitoyltransferase type I deficiency. Identifiers: Orphanet 156, MedGen C1829703, MONDO:0009705, OMIM 255120.

Allele frequency attached by ClinVar (database versions not stated): gnomAD exomes below 0.00001.
gnomAD v4.1: 2 of 1,614,072 alleles (0.00012%); highest among the groups gnomAD compares: Admixed American, 0.0017%; no homozygotes.

Submissions (2):

Ambry Genetics
Classification: Uncertain significance for Inborn genetic diseases. Last evaluated: 2023-11-17. Review status: criteria provided, single submitter. Criteria: Ambry Variant Classification Scheme 2023. Collection method: clinical testing. Allele origin: germline.

Labcorp Genetics (formerly Invitae), Labcorp
Classification: Uncertain significance for Carnitine palmitoyl transferase 1A deficiency. Last evaluated: 2022-07-19. Review status: criteria provided, single submitter. Criteria: Invitae Variant Classification Sherloc (09022015). Collection method: clinical testing. Allele origin: germline.
Comment: This sequence change replaces proline, which is neutral and non-polar, with leucine, which is neutral and non-polar, at codon 16 of the CPT1A protein (p.Pro16Leu). This variant is present in population databases (rs747575697, gnomAD 0.003%). This variant has not been reported in the literature in individuals affected with CPT1A-related conditions. ClinVar contains an entry for this variant (Variation ID: 1387361). Algorithms developed to predict the effect of missense changes on protein structure and function (SIFT, PolyPhen-2, Align-GVGD) all suggest that this variant is likely to be tolerated. In summary, the available evidence is currently insufficient to determine the role of this variant in disease. Therefore, it has been classified as a Variant of Uncertain Significance.

NM_001876.4(CPT1A):c.47C>T (p.Pro16Leu)

Gene: CPT1A (carnitine palmitoyltransferase 1A; minus strand). Cytogenetic location: 11q13.3.
Variant type: single nucleotide variant.
Coding change: c.47C>T on transcript NM_001876.4 (MANE Select); coding-DNA position 47, C replaced by T.
Protein change: p.Pro16Leu; replaces proline 16 with leucine.
Molecular consequence: missense variant.
Genome position (GRCh38, 1-based): chr11:68,815,428, G>A on the plus strand (C>T on the coding strand, the complement: CPT1A is on the minus strand). VCF-style: chr11-68815428-G-A. GRCh37 (hg19) VCF-style: chr11-68582896-G-A.
Other names: c.47C>T (NM_001876.3); c.47C>T, p.Pro16Leu (NM_001031847.3); short protein forms P16L.
Identifiers: ClinVar variation 1387361 (VCV001387361.6), dbSNP rs747575697, ClinGen allele CA223403205.